The following is an entry in ClinVar:

ClinVar aggregate classification (germline): Uncertain significance (1 of 4 stars; one submission).

Conditions:
Cobblestone lissencephaly without muscular or ocular involvement. Also called: Lissencephaly 5; LEUKOENCEPHALOPATHY WITH VARIABLE CORTICAL BRAIN MALFORMATIONS AND/OR HYDROCEPHALUS. Identifiers: Orphanet 352682, MedGen C3554657, MONDO:0014077, OMIM 615191.

Submission:

3billion
Classification: Uncertain significance for Cobblestone lissencephaly without muscular or ocular involvement. Last evaluated: 2024-06-17. Review status: criteria provided, single submitter. Criteria: ACMG Guidelines, 2015. Collection method: clinical testing. Allele origin: germline. Affected: yes.
Comment: The variant is not observed in the gnomAD v4.0.0 dataset. Predicted Consequence/Location: Intron variant In silico tools predict the variant to alter splicing and produce an abnormal transcript [SpliceAI: 0.97 (>=0.2, moderate evidence for spliceogenicity)]. Therefore, this variant is classified as VUS according to the recommendation of ACMG/AMP guideline.

NM_002291.3(LAMB1):c.2109+4A>G

Gene: LAMB1 (laminin subunit beta 1; minus strand). Cytogenetic location: 7q31.1.
Variant type: single nucleotide variant.
Coding change: c.2109+4A>G on transcript NM_002291.3 (MANE Select); 4 bases into the intron after coding-DNA position 2109, A replaced by G.
Molecular consequence: intron variant.
Genome position (GRCh38, 1-based): chr7:107,961,202, T>C on the plus strand (A>G on the coding strand, the complement: LAMB1 is on the minus strand). VCF-style: chr7-107961202-T-C. GRCh37 (hg19) VCF-style: chr7-107601647-T-C.
Identifiers: ClinVar variation 4292843 (VCV004292843.1).